The following is an entry in ClinVar:

NM_000340.2(SLC2A2):c.682C>T (p.Arg228Ter)

Gene: SLC2A2 (solute carrier family 2 member 2; minus strand). Cytogenetic location: 3q26.2.
Variant type: single nucleotide variant.
Coding change: c.682C>T on transcript NM_000340.2 (MANE Select); coding-DNA position 682, C replaced by T.
Protein change: p.Arg228Ter; replaces arginine 228 with a stop codon.
Molecular consequence: nonsense.
Genome position (GRCh38, 1-based): chr3:171,006,036, G>A on the plus strand (C>T on the coding strand, the complement: SLC2A2 is on the minus strand). VCF-style: chr3-171006036-G-A. GRCh37 (hg19) VCF-style: chr3-170723825-G-A.
Other names: c.325C>T, p.Arg109Ter (NM_001278658.2); c.163C>T, p.Arg55Ter (NM_001278659.2); short protein forms R109*, R228*, R55*.
Identifiers: ClinVar variation 1686207 (VCV001686207.7), dbSNP rs773581866, ClinGen allele CA2702603.

ClinVar aggregate classification (germline): Pathogenic. Review status: criteria provided, multiple submitters, no conflicts (2 of 4 stars). 3 submissions from 3 submitters: Pathogenic (3). Last evaluated 2023-05-20.

Conditions:
Type 2 diabetes mellitus. Also called: Type II diabetes mellitus. Identifiers: MedGen C0011860, MeSH D003924, MONDO:0005148, OMIM 125853, HP:0005978.
Fanconi-Bickel syndrome (FBS). Also called: FANCONI SYNDROME WITH INTESTINAL MALABSORPTION AND GALACTOSE INTOLERANCE; HEPATIC GLYCOGENOSIS WITH AMINO ACIDURIA AND GLUCOSURIA; HEPATIC GLYCOGENOSIS WITH FANCONI NEPHROPATHY; HEPATORENAL GLYCOGENOSIS WITH RENAL FANCONI SYNDROME; PSEUDO-PHLORIZIN DIABETES; Glycogen storage disease due to GLUT2 deficiency. Identifiers: Orphanet 2088, MedGen C3495427, MONDO:0009216, OMIM 227810.

gnomAD v4.1: 6 of 1,612,290 alleles (0.00037%); highest among the groups gnomAD compares: East Asian, 0.0022%; no homozygotes.

Submissions (3):

Neuberg Centre For Genomic Medicine, NCGM
Classification: Pathogenic for Fanconi-Bickel syndrome. Last evaluated: 2023-05-20. Review status: criteria provided, single submitter. Criteria: ACMG Guidelines, 2015. Collection method: clinical testing. Allele origin: germline. Inheritance: Autosomal recessive inheritance. Affected: yes.
Comment: The observed stop gained c.682C>T(p.Arg228Ter) variant in SLC2A2 gene has been reported in compound heterozygous state in an individual affected with Fanconi-Bickel syndrome (Su Z, et. al., 2011). This variant is present with an allele frequency of 0.001% in gnomAD Exomes database. This variant has been reported to the ClinVar database as Pathogenic. Computational evidence (MutationTaster - disease causing) predict a damaging effect on protein structure and function for this variant. The nucleotide change c.682C>T in SLC2A2 is predicted as conserved by GERP++ and PhyloP across 100 vertebrates. This variant is predicted to cause loss of normal protein function through protein truncation. Loss of function variants have been previously reported to be disease causing. For these reasons, this variant has been classified as Pathogenic.

Labcorp Genetics (formerly Invitae), Labcorp
Classification: Pathogenic for Fanconi-Bickel syndrome. Last evaluated: 2022-09-07. Review status: criteria provided, single submitter. Criteria: Invitae Variant Classification Sherloc (09022015). Collection method: clinical testing. Allele origin: germline.
Comment: Algorithms developed to predict the effect of sequence changes on RNA splicing suggest that this variant may create or strengthen a splice site. For these reasons, this variant has been classified as Pathogenic. ClinVar contains an entry for this variant (Variation ID: 1686207). This premature translational stop signal has been observed in individual(s) with Fanconi-Bickel syndrome (PMID: 22145468). This variant is present in population databases (rs773581866, gnomAD 0.006%). This sequence change creates a premature translational stop signal (p.Arg228*) in the SLC2A2 gene. It is expected to result in an absent or disrupted protein product. Loss-of-function variants in SLC2A2 are known to be pathogenic (PMID: 11810292).

Mendelics
Classification: Pathogenic for Type 2 diabetes mellitus. Last evaluated: 2022-05-04. Review status: criteria provided, single submitter. Criteria: Mendelics Assertion Criteria 2019. Collection method: clinical testing. Allele origin: germline.

Literature cited by the submitters: PubMed 22145468 (cited by Labcorp Genetics (formerly Invitae), Labcorp); PubMed 11810292 (cited by Labcorp Genetics (formerly Invitae), Labcorp).